The following is an entry in ClinVar:

NM_020754.4(ARHGAP31):c.2261C>A (p.Pro754His)

Gene: ARHGAP31 (Rho GTPase activating protein 31; plus strand). Cytogenetic location: 3q13.33.
Variant type: single nucleotide variant.
Coding change: c.2261C>A on transcript NM_020754.4 (MANE Select); coding-DNA position 2261, C replaced by A.
Protein change: p.Pro754His; replaces proline 754 with histidine.
Molecular consequence: missense variant.
Genome position (GRCh38, 1-based): chr3:119,414,190, C>A. VCF-style: chr3-119414190-C-A. GRCh37 (hg19) VCF-style: chr3-119133037-C-A.
Other names: short protein forms P754H.
Identifiers: ClinVar variation 2876466 (VCV002876466.3), dbSNP rs761427376, ClinGen allele CA2553995.

ClinVar aggregate classification (germline): Uncertain significance (1 of 4 stars; one submission).

Allele frequency attached by ClinVar (database versions not stated): ExAC 0.00001.
gnomAD v4.1: 3 of 1,614,176 alleles (0.00019%); highest among the groups gnomAD compares: Non-Finnish European, 0.00017%; no homozygotes.

Submission:

Labcorp Genetics (formerly Invitae), Labcorp
Classification: Uncertain significance. Last evaluated: 2022-12-07. Review status: criteria provided, single submitter. Criteria: Invitae Variant Classification Sherloc (09022015). Collection method: clinical testing. Allele origin: germline.
Comment: This sequence change replaces proline, which is neutral and non-polar, with histidine, which is basic and polar, at codon 754 of the ARHGAP31 protein (p.Pro754His). This variant is present in population databases (rs761427376, gnomAD 0.0009%). This variant has not been reported in the literature in individuals affected with ARHGAP31-related conditions. Algorithms developed to predict the effect of missense changes on protein structure and function output the following: SIFT: "Tolerated"; PolyPhen-2: "Benign"; Align-GVGD: "Class C0". The histidine amino acid residue is found in multiple mammalian species, which suggests that this missense change does not adversely affect protein function. In summary, the available evidence is currently insufficient to determine the role of this variant in disease. Therefore, it has been classified as a Variant of Uncertain Significance.